The following is an entry in ClinVar:

ClinVar aggregate classification (germline): Pathogenic. Review status: criteria provided, multiple submitters, no conflicts (2 of 4 stars). 2 submissions from 2 submitters: Pathogenic (2). Last evaluated 2023-05-16.

Conditions:
Familial adenomatous polyposis 1 (FAP1). Also called: FAMILIAL ADENOMATOUS POLYPOSIS 1, ATTENUATED; POLYPOSIS, ADENOMATOUS INTESTINAL. Identifiers: MedGen C2713442, MONDO:0021056, OMIM 175100. Disease mechanism: loss of function.
Classic or attenuated familial adenomatous polyposis. Identifiers: MedGen CN372698, MONDO:0021057.

Submissions (2):

Myriad Genetics, Inc.
Classification: Pathogenic for Familial adenomatous polyposis 1. Last evaluated: 2023-05-16. Review status: criteria provided, single submitter. Criteria: Myriad Autosomal Dominant, Autosomal Recessive and X-Linked Classification Criteria (2023). Collection method: clinical testing. Allele origin: unknown.
Comment: This variant is considered pathogenic. This variant creates a frameshift predicted to result in premature protein truncation.

Department of Pathology and Laboratory Medicine, Sinai Health System
Classification: Pathogenic for classic or attenuated familial adenomatous polyposis. Last evaluated: 2022-06-06. Review status: criteria provided, single submitter. Criteria: ACMG Guidelines, 2015. Collection method: clinical testing. Allele origin: germline. Affected: yes.

NM_000038.6(APC):c.7686_7687insT (p.Thr2563fs)

Gene: APC (APC regulator of Wnt signaling pathway; plus strand). Cytogenetic location: 5q22.2.
Variant type: Insertion.
Coding change: c.7686_7687insT on transcript NM_000038.6 (MANE Select); coding-DNA positions 7686 to 7687, T inserted.
Protein change: p.Thr2563fs; shifts the reading frame from threonine 2563.
Molecular consequence: frameshift variant. On other transcripts: non-coding transcript variant (2).
Genome position: GRCh38 VCF-style: chr5-112843280-C-CT. GRCh37 (hg19) VCF-style: chr5-112178977-C-CT.
Other names: c.7686_7687insT, p.Thr2563fs (NM_001127510.3, NM_001354895.2, NM_001407450.1); c.7632_7633insT, p.Thr2545fs (NM_001127511.3); c.7740_7741insT, p.Thr2581fs (NM_001354896.2, NM_001407447.1, NM_001407448.1 and 1 more transcripts); c.7716_7717insT, p.Thr2573fs (NM_001354897.2); c.7611_7612insT, p.Thr2538fs (NM_001354898.2); c.7602_7603insT, p.Thr2535fs (NM_001354899.2); c.7563_7564insT, p.Thr2522fs (NM_001354900.2); c.7509_7510insT, p.Thr2504fs (NM_001354901.2, NM_001407453.1); and 11 more; short protein forms T2179fs, T2280fs, T2403fs, T2434fs, T2437fs, T2462fs, T2472fs, T2480fs.
Identifiers: ClinVar variation 2584113 (VCV002584113.3), dbSNP rs2533812629, ClinGen allele CA2582341633.